The following is an entry in ClinVar:

NM_133497.4(KCNV2):c.1156C>T (p.Arg386Cys)

Gene: KCNV2 (potassium voltage-gated channel modifier subfamily V member 2; plus strand). Cytogenetic location: 9p24.2.
Variant type: single nucleotide variant.
Coding change: c.1156C>T on transcript NM_133497.4 (MANE Select); coding-DNA position 1156, C replaced by T.
Protein change: p.Arg386Cys; replaces arginine 386 with cysteine.
Molecular consequence: missense variant.
Genome position (GRCh38, 1-based): chr9:2,718,895, C>T. VCF-style: chr9-2718895-C-T. GRCh37 (hg19) VCF-style: chr9-2718895-C-T.
Other names: short protein forms R386C.
Identifiers: ClinVar variation 1417819 (VCV001417819.7), dbSNP rs749775089, ClinGen allele CA4965795.

ClinVar aggregate classification (germline): Uncertain significance. Review status: criteria provided, multiple submitters, no conflicts (2 of 4 stars). 2 submissions from 2 submitters: Uncertain significance (2). Last evaluated 2021-10-12.

Allele frequency attached by ClinVar (database versions not stated): ExAC 0.00001; gnomAD 0.00001; TOPMed 0.00001.

Submissions (2):

Labcorp Genetics (formerly Invitae), Labcorp
Classification: Uncertain significance. Last evaluated: 2021-10-12. Review status: criteria provided, single submitter. Criteria: Invitae Variant Classification Sherloc (09022015). Collection method: clinical testing. Allele origin: germline.
Comment: Advanced modeling of protein sequence and biophysical properties (such as structural, functional, and spatial information, amino acid conservation, physicochemical variation, residue mobility, and thermodynamic stability) performed at Invitae indicates that this missense variant is expected to disrupt KCNV2 protein function. In summary, the available evidence is currently insufficient to determine the role of this variant in disease. Therefore, it has been classified as a Variant of Uncertain Significance. This variant has not been reported in the literature in individuals affected with KCNV2-related conditions. This variant is present in population databases (rs749775089, ExAC 0.002%). This sequence change replaces arginine with cysteine at codon 386 of the KCNV2 protein (p.Arg386Cys). The arginine residue is highly conserved and there is a large physicochemical difference between arginine and cysteine.

Blueprint Genetics
Classification: Uncertain significance. Last evaluated: 2019-02-22. Review status: criteria provided, single submitter. Criteria: ACMG Guidelines, 2015. Collection method: clinical testing. Allele origin: germline.